The following is an entry in ClinVar:

NM_001142800.2(EYS):c.8843G>A (p.Cys2948Tyr)

Genes: EYS (EGF-like photoreceptor maintenance factor; minus strand), PHF3 (PHD finger protein 3; plus strand). Cytogenetic location: 6q12.
Variant type: single nucleotide variant.
Coding change: c.8843G>A on transcript NM_001142800.2 (MANE Select); coding-DNA position 8843, G replaced by A.
Protein change: p.Cys2948Tyr; replaces cysteine 2948 with tyrosine.
Molecular consequence: missense variant. On other transcripts: 3 prime UTR variant (5).
Genome position (GRCh38, 1-based): chr6:63,721,188, C>T on the plus strand (G>A on the coding strand, the complement: EYS is on the minus strand). VCF-style: chr6-63721188-C-T. GRCh37 (hg19) VCF-style: chr6-64431084-C-T.
Other names: c.*7480C>T (NM_001290259.2, NM_001370348.2, NM_001370349.2 and 2 more transcripts); c.8906G>A, p.Cys2969Tyr (NM_001292009.2); short protein forms C2969Y, C2948Y.
Identifiers: ClinVar variation 1986714 (VCV001986714.4), dbSNP rs1582139911, ClinGen allele CA364383852.
Genomic context (GRCh38, chr6:63,721,188, plus strand): 5'-ATGTATTTAATGTAAGAATTACCCATAAATTTTGCAGTTGAAAATGAAGTTTTGTTTTCA[C>T]AATACCTTCCCACCCAACCCAAAGTACACAGGCAACTGTAAGAAAATGATTGGTCAGGTA-3'
Protein context (NP_001136272.1, residues 2938-2958): LCTLGWVGRY[Cys2948Tyr]ENKTSFSTAK

ClinVar aggregate classification (germline): Uncertain significance (1 of 4 stars; one submission).

Allele frequency attached by ClinVar (database versions not stated): TOPMed below 0.00001.

Submission:

Labcorp Genetics (formerly Invitae), Labcorp
Classification: Uncertain significance. Last evaluated: 2026-01-09. Review status: criteria provided, single submitter. Criteria: Invitae Variant Classification Sherloc (09022015). Collection method: clinical testing. Allele origin: germline.
Comment: This sequence change replaces cysteine, which is neutral and slightly polar, with tyrosine, which is neutral and polar, at codon 2948 of the EYS protein (p.Cys2948Tyr). This variant is not present in population databases (gnomAD no frequency). This variant has not been reported in the literature in individuals affected with EYS-related conditions. ClinVar contains an entry for this variant (Variation ID: 1986714). Invitae Evidence Modeling of protein sequence and biophysical properties (such as structural, functional, and spatial information, amino acid conservation, physicochemical variation, residue mobility, and thermodynamic stability) indicates that this missense variant is expected to disrupt EYS protein function with a positive predictive value of 80%. This variant disrupts the p.Cys2948 amino acid residue in EYS. Other variant(s) that disrupt this residue have been determined to be pathogenic (PMID: 30804660; internal data). This suggests that this residue is clinically significant, and that variants that disrupt this residue are likely to be disease-causing. In summary, the available evidence is currently insufficient to determine the role of this variant in disease. Therefore, it has been classified as a Variant of Uncertain Significance.

Literature cited by the submitters: PubMed 30804660.